The following is an entry in ClinVar:

NM_018475.5(TMEM165):c.792+4_792+5insTATTTGA

Gene: TMEM165 (transmembrane protein 165; plus strand). Cytogenetic location: 4q12.
Variant type: Insertion.
Coding change: c.792+4_792+5insTATTTGA on transcript NM_018475.5 (MANE Select); bases 4 to 5 of the intron after coding-DNA position 792, TATTTGA inserted.
Molecular consequence: splice donor variant.
Genome position: GRCh38 VCF-style: chr4-55417986-G-GTGATATT. GRCh37 (hg19) VCF-style: chr4-56284153-G-GTGATATT.
Identifiers: ClinVar variation 1521188 (VCV001521188.6), dbSNP rs2109553419, ClinGen allele CA2573138296.

ClinVar aggregate classification (germline): Uncertain significance (1 of 4 stars; one submission).

Conditions:
TMEM165-congenital disorder of glycosylation. Also called: CDG IIk; Congenital disorder of glycosylation type 2k; TMEM165-CDG. Identifiers: Orphanet 314667, MedGen C3553571, MONDO:0013870, OMIM 614727.

Submission:

Labcorp Genetics (formerly Invitae), Labcorp
Classification: Uncertain significance for TMEM165-congenital disorder of glycosylation. Last evaluated: 2022-07-26. Review status: criteria provided, single submitter. Criteria: Invitae Variant Classification Sherloc (09022015). Collection method: clinical testing. Allele origin: germline.
Comment: In summary, the available evidence is currently insufficient to determine the role of this variant in disease. Therefore, it has been classified as a Variant of Uncertain Significance. Variants that disrupt the consensus splice site are a relatively common cause of aberrant splicing (PMID: 17576681, 9536098). Algorithms developed to predict the effect of sequence changes on RNA splicing suggest that this variant may disrupt the consensus splice site. ClinVar contains an entry for this variant (Variation ID: 1521188). This variant has not been reported in the literature in individuals affected with TMEM165-related conditions. This variant is not present in population databases (gnomAD no frequency). This sequence change falls in intron 4 of the TMEM165 gene. It does not directly change the encoded amino acid sequence of the TMEM165 protein. It affects a nucleotide within the consensus splice site.

Literature cited by the submitters: PubMed 17576681; PubMed 9536098.